The following is an entry in ClinVar:

NM_177438.3(DICER1):c.4718G>C (p.Ser1573Thr)

Gene: DICER1 (dicer 1, ribonuclease III; minus strand). Cytogenetic location: 14q32.13.
Variant type: single nucleotide variant.
Coding change: c.4718G>C on transcript NM_177438.3 (MANE Select); coding-DNA position 4718, G replaced by C.
Protein change: p.Ser1573Thr; replaces serine 1573 with threonine.
Molecular consequence: missense variant.
Genome position (GRCh38, 1-based): chr14:95,096,202, C>G on the plus strand (G>C on the coding strand, the complement: DICER1 is on the minus strand). VCF-style: chr14-95096202-C-G. GRCh37 (hg19) VCF-style: chr14-95562539-C-G.
Other names: c.4718G>C, p.Ser1573Thr (NM_001195573.1, NM_001271282.3, NM_001291628.2 and 1 more transcripts); short protein forms S1573T.
Identifiers: ClinVar variation 477214 (VCV000477214.12), dbSNP rs1555367674, ClinGen allele CA390867453.

ClinVar aggregate classification (germline): Uncertain significance. Review status: criteria provided, multiple submitters, no conflicts (2 of 4 stars). 2 submissions from 2 submitters: Uncertain significance (2). Last evaluated 2022-09-06.

Conditions:
DICER1-related tumor predisposition. Also called: DICER1-related pleuropulmonary blastoma cancer predisposition syndrome; DICER1 syndrome. Identifiers: Orphanet 284343, MedGen C3839822, MONDO:0100216.
Hereditary cancer-predisposing syndrome. Also called: Tumor predisposition; Neoplastic Syndromes, Hereditary; Hereditary Cancer Syndrome; Hereditary neoplastic syndrome. Identifiers: Orphanet 140162, MedGen C0027672, MeSH D009386, MONDO:0015356.

Allele frequency attached by ClinVar (database versions not stated): gnomAD exomes below 0.00001.
gnomAD v4.1: 1 of 1,614,228 alleles (0.000062%); highest among the groups gnomAD compares: Non-Finnish European, 0.000085%; no homozygotes.

Submissions (2):

Ambry Genetics
Classification: Uncertain significance for Hereditary cancer-predisposing syndrome. Last evaluated: 2022-09-06. Review status: criteria provided, single submitter. Criteria: Ambry Variant Classification Scheme 2023. Collection method: clinical testing. Allele origin: germline.
Comment: The p.S1573T variant (also known as c.4718G>C), located in coding exon 22 of the DICER1 gene, results from a G to C substitution at nucleotide position 4718. The serine at codon 1573 is replaced by threonine, an amino acid with similar properties. This amino acid position is highly conserved in available vertebrate species. In addition, the in silico prediction for this alteration is inconclusive. Since supporting evidence is limited at this time, the clinical significance of this alteration remains unclear.

Labcorp Genetics (formerly Invitae), Labcorp
Classification: Uncertain significance for DICER1-related tumor predisposition. Last evaluated: 2021-04-03. Review status: criteria provided, single submitter. Criteria: Invitae Variant Classification Sherloc (09022015). Collection method: clinical testing. Allele origin: germline.
Comment: In summary, this variant is a novel missense change with uncertain impact on protein function. It has been classified as a Variant of Uncertain Significance. Algorithms developed to predict the effect of missense changes on protein structure and function do not agree on the potential impact of this missense change (SIFT: "Tolerated"; PolyPhen-2: "Possibly Damaging"; Align-GVGD: "Class C0"). This variant is not present in population databases (ExAC no frequency) and has not been reported in the literature in individuals with a DICER1-related disease. This sequence change replaces serine with threonine at codon 1573 of the DICER1 protein (p.Ser1573Thr). The serine residue is highly conserved and there is a small physicochemical difference between serine and threonine.